The following is an entry in ClinVar:

ClinVar aggregate classification (germline): Uncertain significance (1 of 4 stars; one submission).

Conditions:
Glycogen storage disease, type II (IOPD). Also called: Pompe Disease; CARDIOMEGALIA GLYCOGENICA DIFFUSA; GLYCOGENOSIS, GENERALIZED, CARDIAC FORM; GSD II; POMPE DISEASE, INFANTILE-ONSET; GLYCOGEN STORAGE DISEASE II, INFANTILE-ONSET. Identifiers: Orphanet 365, MedGen C0017921, MONDO:0009290, OMIM 232300.

Submission:

Genomenon, Inc
Classification: Uncertain significance for Glycogen storage disease, type II. Last evaluated: 2026-07-01. Review status: criteria provided, single submitter. Criteria: Genomenon Sequence Variant Interpretation Standards - Updated. Collection method: curation. Allele origin: germline. Affected: no.
Comment: GAA p.Leu729Arg (c.2186T>G) is a missense variant that changes the amino acid at codon 729 from Leucine to Arginine. This variant has been reported in the published literature (PMID:21972175). It is absent or not present at a significant frequency in gnomAD. In silico models predict that this variant is possibly or probably damaging. In conclusion, we classify GAA p.Leu729Arg (c.2186T>G) as a variant of uncertain significance.

Literature cited by the submitters: PubMed 21972175.

NM_000152.5(GAA):c.2186T>G (p.Leu729Arg)

Gene: GAA (alpha glucosidase; plus strand). Cytogenetic location: 17q25.3.
Variant type: single nucleotide variant.
Coding change: c.2186T>G on transcript NM_000152.5 (MANE Select); coding-DNA position 2186, T replaced by G.
Protein change: p.Leu729Arg; replaces leucine 729 with arginine.
Molecular consequence: missense variant.
Genome position (GRCh38, 1-based): chr17:80,113,363, T>G. VCF-style: chr17-80113363-T-G. GRCh37 (hg19) VCF-style: chr17-78087162-T-G.
Other names: c.2186T>G, p.Leu729Arg (NM_001079803.3, NM_001079804.3, NM_001406741.1 and 1 more transcripts); short protein forms L729R.
Identifiers: ClinVar variation 4876592 (VCV004876592.1).
Genomic context (GRCh38, chr17:80,113,363, plus strand): 5'-TCTACACACTGTTCCACCAGGCCCACGTCGCGGGGGAGACCGTGGCCCGGCCCCTCTTCC[T>G]GGAGTGAGTGACCTAGGCAGGGGCGGTGGCCCATGTGTGCCCTGGGGGAGGGGCACGTAA-3'
Protein context (NP_000143.2, residues 719-739): AGETVARPLF[Leu729Arg]EFPKDSSTWT